The following is an entry in ClinVar:

ClinVar aggregate classification (germline): Uncertain significance (1 of 4 stars; one submission).

Conditions:
Catecholaminergic polymorphic ventricular tachycardia (CVPT). Also called: Catecholamine-induced polymorphic ventricular tachycardia. Identifiers: Orphanet 3286, MedGen C5574922, MONDO:0017990.

Allele frequency attached by ClinVar (database versions not stated): gnomAD exomes below 0.00001.
gnomAD v4.1: 3 of 1,613,940 alleles (0.00019%); highest among the groups gnomAD compares: Non-Finnish European, 0.00025%; no homozygotes.

Submission:

All of Us Research Program, National Institutes of Health
Classification: Uncertain significance for Catecholaminergic polymorphic ventricular tachycardia. Last evaluated: 2023-04-27. Review status: criteria provided, single submitter. Criteria: ACMG Guidelines, 2015. Collection method: clinical testing. Allele origin: germline. Inheritance: Autosomal dominant inheritance. Observed: 1 variant allele, 1 heterozygote.
Comment: This study involves interpretation of variants in research participants for the purpose of population health screening. Participant phenotype was not available at the time of variant classification. Additional details can be found in publication PMID: 35346344, PMCID: PMC8962531

NM_001035.3(RYR2):c.655T>G (p.Ser219Ala)

Gene: RYR2 (ryanodine receptor 2; plus strand). Cytogenetic location: 1q43.
Variant type: single nucleotide variant.
Coding change: c.655T>G on transcript NM_001035.3 (MANE Select); coding-DNA position 655, T replaced by G.
Protein change: p.Ser219Ala; replaces serine 219 with alanine.
Molecular consequence: missense variant.
Genome position (GRCh38, 1-based): chr1:237,387,359, T>G. VCF-style: chr1-237387359-T-G. GRCh37 (hg19) VCF-style: chr1-237550659-T-G.
Other names: short protein forms S219A.
Identifiers: ClinVar variation 3070592 (VCV003070592.1), dbSNP rs2530196748, ClinGen allele CA345377546.